The following is an entry in ClinVar:

NM_001371986.1(UNC80):c.404C>T (p.Thr135Ile)

Gene: UNC80 (unc-80 subunit of NALCN channel complex; plus strand). Cytogenetic location: 2q34.
Variant type: single nucleotide variant.
Coding change: c.404C>T on transcript NM_001371986.1 (MANE Select); coding-DNA position 404, C replaced by T.
Protein change: p.Thr135Ile; replaces threonine 135 with isoleucine.
Molecular consequence: missense variant.
Genome position (GRCh38, 1-based): chr2:209,777,363, C>T. VCF-style: chr2-209777363-C-T. GRCh37 (hg19) VCF-style: chr2-210642087-C-T.
Other names: c.404C>T, p.Thr135Ile (NM_032504.2, NM_182587.4); short protein forms T135I.
Identifiers: ClinVar variation 624174 (VCV000624174.57), dbSNP rs146163378, ClinGen allele CA2082741.

ClinVar aggregate classification (germline): Benign/Likely benign. Review status: criteria provided, multiple submitters, no conflicts (2 of 4 stars). 7 submissions from 7 submitters: Benign (2); Likely benign (5). Last evaluated 2026-05-14.

Conditions:
UNC80-related disorder. Also called: UNC80-related condition.
Hypotonia, infantile, with psychomotor retardation and characteristic facies 2 (IHPRF2). Also called: UNC80 Deficiency. Identifiers: Orphanet 371364, Orphanet 700333, MedGen C4225203, MONDO:0014777, OMIM 616801.

Allele frequency attached by ClinVar (database versions not stated): gnomAD 0.00213 and 0.00230; ExAC 0.00242; TOPMed 0.00243; ESP Exome Variant Server 0.00246; gnomAD exomes 0.00251 and 0.00272; 1000 Genomes Project 0.00180; 1000 Genomes Project 30x 0.00203.
gnomAD v4.1: 4,302 of 1,614,190 alleles (0.27%); highest among the groups gnomAD compares: Admixed American, 0.33%; 8 homozygotes.

Submissions (7):

PreventionGenetics, part of Exact Sciences
Classification: Benign for UNC80-related condition. Last evaluated: 2026-05-14. Review status: criteria provided, single submitter. Criteria: ACMG Guidelines, 2015. Collection method: clinical testing. Allele origin: germline.
Comment: This variant is classified as benign based on ACMG/AMP sequence variant interpretation guidelines (Richards et al. 2015 PMID: 25741868, with internal and published modifications).

Labcorp Genetics (formerly Invitae), Labcorp
Classification: Benign. Last evaluated: 2026-02-02. Review status: criteria provided, single submitter. Criteria: Invitae Variant Classification Sherloc (09022015). Collection method: clinical testing. Allele origin: germline.

Women's Health and Genetics/Laboratory Corporation of America, LabCorp
Classification: Likely benign. Last evaluated: 2025-07-16. Review status: criteria provided, single submitter. Criteria: LabCorp Variant Classification Summary - May 2015. Collection method: clinical testing. Allele origin: germline.
Comment: Variant summary: UNC80 c.404C>T (p.Thr135Ile) results in a non-conservative amino acid change in the encoded protein sequence. Algorithms developed to predict the effect of missense changes on protein structure and function are either unavailable or do not agree on the potential impact of this missense change. The variant allele was found at a frequency of 0.0025 in 251460 control chromosomes in the gnomAD database, including 3 homozygotes. The observed variant frequency exceeds the estimated maximal expected allele frequency for a pathogenic variant in UNC80 causing Infantile Hypotonia With Psychomotor Retardation And Characteristic Facies 2 phenotype. To our knowledge, no occurrence of c.404C>T in individuals affected with Infantile Hypotonia With Psychomotor Retardation And Characteristic Facies 2 and no experimental evidence demonstrating its impact on protein function have been reported. ClinVar contains an entry for this variant (Variation ID: 624174). Based on the evidence outlined above, the variant was classified as likely benign.

CeGaT Center for Human Genetics Tuebingen
Classification: Likely benign. Last evaluated: 2025-07-01. Review status: criteria provided, single submitter. Criteria: CeGaT Center For Human Genetics Tuebingen Variant Classification Criteria Version 2. Collection method: clinical testing. Allele origin: germline. Affected: yes. Observed: 6 variant alleles.
Comment: UNC80: PP2, BP4, BS2

ARUP Laboratories, Molecular Genetics and Genomics, ARUP Laboratories
Classification: Likely benign for Hypotonia, infantile, with psychomotor retardation and characteristic facies 2. Last evaluated: 2025-04-23. Review status: criteria provided, single submitter. Criteria: ARUP Molecular Germline Variant Investigation Process 2024. Collection method: clinical testing. Allele origin: germline.

Blueprint Genetics
Classification: Likely benign. Last evaluated: 2024-11-25. Review status: criteria provided, single submitter. Criteria: ACMG Guidelines, 2015. Collection method: clinical testing. Allele origin: germline.

Breakthrough Genomics
Classification: Likely benign. Review status: criteria provided, single submitter. Criteria: ACMG Guidelines, 2015. Collection method: not provided. Allele origin: germline. Inheritance: Autosomal recessive inheritance. Affected: yes.